The following is an entry in ClinVar:

NM_001164277.2(SLC37A4):c.979C>T (p.Pro327Ser)

Gene: SLC37A4 (solute carrier family 37 member 4; minus strand). Cytogenetic location: 11q23.3.
Variant type: single nucleotide variant.
Coding change: c.979C>T on transcript NM_001164277.2 (MANE Select); coding-DNA position 979, C replaced by T.
Protein change: p.Pro327Ser; replaces proline 327 with serine.
Molecular consequence: missense variant.
Genome position (GRCh38, 1-based): chr11:119,025,972, G>A on the plus strand (C>T on the coding strand, the complement: SLC37A4 is on the minus strand). VCF-style: chr11-119025972-G-A. GRCh37 (hg19) VCF-style: chr11-118896682-G-A.
Other names: c.979C>T, p.Pro327Ser (NM_001164278.2, NM_001164280.2, NM_001467.6); c.760C>T, p.Pro254Ser (NM_001164279.2); short protein forms P327S, P254S.
Identifiers: ClinVar variation 2160131 (VCV002160131.3), dbSNP rs1218836083, ClinGen allele CA382897129.
Genomic context (GRCh38, chr11:119,025,972, plus strand): 5'-TGGCCCTTGCGTTCTCTCCTTGTGCCCTGCCGTGAGCCAGGCCTTTCTTAATTACCTTGG[G>A]GGAGTCACTGGTCACTGTTACCCGGAAGAGGTACATGGACACTGTCATGCCAGCCATCAT-3'
Protein context (NP_001157749.1, residues 317-337): LFRVTVTSDS[Pro327Ser]KLWILVLGAV

ClinVar aggregate classification (germline): Uncertain significance (1 of 4 stars; one submission).

Conditions:
Glucose-6-phosphate transport defect (GSD1B). Also called: GSD Ib; Glycogen Storage Disease Type Ib. Identifiers: Orphanet 364, Orphanet 79259, MedGen C0268146, MONDO:0009288, OMIM 232220.

Allele frequency attached by ClinVar (database versions not stated): TOPMed 0.00002.

Submission:

Labcorp Genetics (formerly Invitae), Labcorp
Classification: Uncertain significance for Glucose-6-phosphate transport defect. Last evaluated: 2025-05-18. Review status: criteria provided, single submitter. Criteria: Invitae Variant Classification Sherloc (09022015). Collection method: clinical testing. Allele origin: germline.
Comment: This sequence change replaces proline, which is neutral and non-polar, with serine, which is neutral and polar, at codon 327 of the SLC37A4 protein (p.Pro327Ser). This variant is present in population databases (no rsID available, gnomAD 0.001%). This variant has not been reported in the literature in individuals affected with SLC37A4-related conditions. ClinVar contains an entry for this variant (Variation ID: 2160131). Invitae Evidence Modeling of protein sequence and biophysical properties (such as structural, functional, and spatial information, amino acid conservation, physicochemical variation, residue mobility, and thermodynamic stability) indicates that this missense variant is not expected to disrupt SLC37A4 protein function with a negative predictive value of 80%. In summary, the available evidence is currently insufficient to determine the role of this variant in disease. Therefore, it has been classified as a Variant of Uncertain Significance.